The following is an entry in ClinVar:

NM_000218.3(KCNQ1):c.1394-13763G>A

Genes: KCNQ1 (potassium voltage-gated channel subfamily Q member 1; plus strand), KCNQ1OT1 (KCNQ1 opposite strand/antisense transcript 1; minus strand). Cytogenetic location: 11p15.5.
Variant type: single nucleotide variant.
Coding change: c.1394-13763G>A on transcript NM_000218.3 (MANE Select); 13763 bases into the intron before coding-DNA position 1394, G replaced by A.
Molecular consequence: intron variant.
Genome position (GRCh38, 1-based): chr11:2,648,198, G>A. VCF-style: chr11-2648198-G-A. GRCh37 (hg19) VCF-style: chr11-2669428-G-A.
Other names: c.1124-13763G>A (NM_001406837.1); c.1298-13763G>A (NM_001406836.1); c.854-13763G>A (NM_001406838.1); c.1013-13763G>A (NM_181798.2).
Identifiers: ClinVar variation 1694601 (VCV001694601.32), dbSNP rs138657168, ClinGen allele CA216160518.
Genomic context (GRCh38, chr11:2,648,198, plus strand): 5'-GAGGTTACAGTGAGCCAAGATCACACCACTGCGCTCTAGCCTGGGTGACAGAGTGAGACC[G>A]TGTCTCGGGGGGTGGGGGGGAGGCCTCATTTCATTGATCTTTTGTCTTTTTTACCTTTTA-3'

ClinVar aggregate classification (germline): Benign/Likely benign. Review status: criteria provided, multiple submitters, no conflicts (2 of 4 stars). 2 submissions from 2 submitters: Benign (1); Likely benign (1). Last evaluated 2026-09-01.

Allele frequency attached by ClinVar (database versions not stated): 1000 Genomes Project 0.00220; 1000 Genomes Project 30x 0.00297; TOPMed 0.00599; gnomAD 0.00771; gnomAD exomes 0.00991.
gnomAD v4.1: 3,465 of 389,158 alleles (0.89%); highest among the groups gnomAD compares: Non-Finnish European, 1.1%; 18 homozygotes.

Submissions (2):

CeGaT Center for Human Genetics Tuebingen
Classification: Benign. Last evaluated: 2026-09-01. Review status: criteria provided, single submitter. Criteria: CeGaT Center For Human Genetics Tuebingen Variant Classification Criteria Version 2. Collection method: clinical testing. Allele origin: germline. Affected: yes. Observed: 69 variant alleles.
Comment: KCNQ1: BS1, BS2; KCNQ1OT1: BS1, BS2

Blueprint Genetics
Classification: Likely benign. Last evaluated: 2024-11-25. Review status: criteria provided, single submitter. Criteria: ACMG Guidelines, 2015. Collection method: clinical testing. Allele origin: germline.